The following is an entry in ClinVar:

ClinVar aggregate classification (germline): Uncertain significance (1 of 4 stars; one submission).

Conditions:
Idiopathic Pulmonary Fibrosis. Also called: Idiopathic fibrosing alveolitis, chronic form; idiopathic fibrosing alveolitis. Identifiers: Orphanet 2032, MedGen C1800706, MeSH D054990, MONDO:0800504.
Dyskeratosis congenita, autosomal dominant 2. Identifiers: MedGen C3151443, MONDO:0013521, OMIM 613989.

Allele frequency attached by ClinVar (database versions not stated): gnomAD exomes below 0.00001; TOPMed below 0.00001; gnomAD 0.00001.
gnomAD v4.1: 9 of 1,614,026 alleles (0.00056%); highest among the groups gnomAD compares: Admixed American, 0.0017%; no homozygotes.

Submission:

Labcorp Genetics (formerly Invitae), Labcorp
Classification: Uncertain significance for Dyskeratosis congenita, autosomal dominant 2; Idiopathic Pulmonary Fibrosis. Last evaluated: 2023-10-05. Review status: criteria provided, single submitter. Criteria: Invitae Variant Classification Sherloc (09022015). Collection method: clinical testing. Allele origin: germline.
Comment: This sequence change replaces arginine, which is basic and polar, with histidine, which is basic and polar, at codon 972 of the TERT protein (p.Arg972His). This variant is present in population databases (no rsID available, gnomAD 0.003%). This missense change has been observed in individual(s) with clinical features of autosomal dominant pulmonary fibrosis and/or dyskeratosis congenita (PMID: 21931702, 29749397). ClinVar contains an entry for this variant (Variation ID: 653306). Algorithms developed to predict the effect of missense changes on protein structure and function output the following: SIFT: "Not Available"; PolyPhen-2: "Benign"; Align-GVGD: "Not Available". The histidine amino acid residue is found in multiple mammalian species, which suggests that this missense change does not adversely affect protein function. Experimental studies have shown that this missense change affects TERT function (PMID: 28154186). In summary, the available evidence is currently insufficient to determine the role of this variant in disease. Therefore, it has been classified as a Variant of Uncertain Significance.

Literature cited by the submitters: PubMed 21931702; PubMed 29749397; PubMed 28154186.

NM_198253.3(TERT):c.2915G>A (p.Arg972His)

Gene: TERT (telomerase reverse transcriptase; minus strand). Cytogenetic location: 5p15.33.
Variant type: single nucleotide variant.
Coding change: c.2915G>A on transcript NM_198253.3 (MANE Select); coding-DNA position 2915, G replaced by A.
Protein change: p.Arg972His; replaces arginine 972 with histidine.
Molecular consequence: missense variant. On other transcripts: non-coding transcript variant (2).
Genome position (GRCh38, 1-based): chr5:1,260,529, C>T on the plus strand (G>A on the coding strand, the complement: TERT is on the minus strand). VCF-style: chr5-1260529-C-T. GRCh37 (hg19) VCF-style: chr5-1260644-C-T.
Other names: c.2726G>A, p.Arg909His (NM_001193376.3); short protein forms R909H, R972H.
Identifiers: ClinVar variation 653306 (VCV000653306.45), dbSNP rs1278994586, ClinGen allele CA359069957.